The following is an entry in ClinVar:

NM_007294.4(BRCA1):c.5193+4_5193+7dup

Gene: BRCA1 (BRCA1 DNA repair associated; minus strand). Cytogenetic location: 17q21.31.
Variant type: Duplication.
Coding change: c.5193+4_5193+7dup on transcript NM_007294.4 (MANE Select); bases 4 to 7 of the intron after coding-DNA position 5193, 4 bases duplicated (AGTA; older notation c.5193+4_5193+7dupAGTA).
Molecular consequence: splice donor variant.
Genome position (GRCh38, 1-based): chr17:43,063,326-43,063,329, TACT duplicated on the plus strand (AGTA on the coding strand, the reverse complement: BRCA1 is on the minus strand); duplicating any 4 consecutive bases within chr17:43,063,326-43,063,332 gives the same sequence; the c. name uses the placement nearest the transcript's 3' end. VCF-style (leftmost placement, unchanged base first): chr17-43063325-G-GTACT. GRCh37 (hg19) VCF-style: chr17-41215342-G-GTACT.
Other names: c.1761+4_1761+7dup (NM_001408428.1, NM_001408427.1, NM_001408431.1 and 4 more transcripts); c.5067+4_5067+7dup (NM_001407678.1, NM_001407670.1, NM_001407675.1 and 10 more transcripts); c.5070+4_5070+7dup (NM_001407666.1, NM_001407668.1, NM_001407664.1 and 6 more transcripts); c.1767+4_1767+7dup (NM_001408418.1, NM_001408419.1, NM_001408420.1); c.1881+4_1881+7dup (NM_001407981.1, NM_007298.4, NM_001407991.1 and 12 more transcripts); c.1884+4_1884+7dup (NM_001407978.1, NM_001407973.1, NM_001407975.1 and 3 more transcripts); c.5187+4_5187+7dup (NM_001407639.1, NM_001407631.1, NM_001407638.1 and 14 more transcripts); c.5190+4_5190+7dup (NM_001407859.1, NM_001407623.1, NM_001407620.1 and 17 more transcripts); and 72 more.
Identifiers: ClinVar variation 4215124 (VCV004215124.1).

ClinVar aggregate classification (germline): Uncertain significance (1 of 4 stars; one submission).

Conditions:
Hereditary cancer-predisposing syndrome. Also called: Neoplastic Syndromes, Hereditary; Tumor predisposition; Hereditary Cancer Syndrome; Hereditary neoplastic syndrome. Identifiers: Orphanet 140162, MedGen C0027672, MeSH D009386, MONDO:0015356.

Submission:

Ambry Genetics
Classification: Uncertain significance for Hereditary cancer-predisposing syndrome. Last evaluated: 2025-09-03. Review status: criteria provided, single submitter. Criteria: Ambry Variant Classification Scheme 2023. Collection method: clinical testing. Allele origin: germline.
Comment: The c.5193+4_5193+7dupAGTA intronic variant begins 4 nucleotides after coding exon 17 in the BRCA1 gene. This variant results from a duplication of 4 nucleotides at positions c.5193+4 to c.5193+7. This nucleotide region is not well conserved in available vertebrate species. In silico splice site analysis for this alteration is inconclusive. Based on the available evidence, the clinical significance of this variant remains unclear.